The following is an entry in ClinVar:

ClinVar aggregate classification (germline): Conflicting classifications of pathogenicity. Review status: criteria provided, conflicting classifications (1 of 4 stars). 5 submissions from 5 submitters: Uncertain significance (3); Benign (1); Likely benign (1). Last evaluated 2026-01-26.

Conditions:
Bartter disease type 2. Also called: HYPERPROSTAGLANDIN E SYNDROME 2; HYPOKALEMIC ALKALOSIS WITH HYPERCALCIURIA 2, ANTENATAL; Bartter syndrome, type 2, antenatal. Identifiers: Orphanet 112, Orphanet 620220, MedGen C1855849, MONDO:0009424, OMIM 241200.

Allele frequency attached by ClinVar (database versions not stated): TOPMed 0.00036; gnomAD 0.00039 and 0.00050; ESP Exome Variant Server 0.00046; gnomAD exomes 0.00047; ExAC 0.00048; 1000 Genomes Project 30x 0.00156; 1000 Genomes Project 0.00180.
gnomAD v4.1: 738 of 1,613,562 alleles (0.046%); highest among the groups gnomAD compares: East Asian, 0.84%; 8 homozygotes.

Submissions (5):

Labcorp Genetics (formerly Invitae), Labcorp
Classification: Likely benign. Last evaluated: 2026-01-26. Review status: criteria provided, single submitter. Criteria: Invitae Variant Classification Sherloc (09022015). Collection method: clinical testing. Allele origin: germline.

Blueprint Genetics
Classification: Uncertain significance. Last evaluated: 2024-11-15. Review status: criteria provided, single submitter. Criteria: ACMG Guidelines, 2015. Collection method: clinical testing. Allele origin: germline.

Revvity Omics, Revvity
Classification: Uncertain significance for Bartter disease type 2. Last evaluated: 2020-08-20. Review status: criteria provided, single submitter. Criteria: ACMG Guidelines, 2015. Collection method: clinical testing. Allele origin: germline.

Department of Pathology and Laboratory Medicine, Sinai Health System
Classification: Uncertain significance for Bartter disease type 2. Last evaluated: 2020-08-16. Review status: criteria provided, single submitter. Criteria: ACMG Guidelines, 2015. Collection method: research. Allele origin: germline.

Illumina Laboratory Services, Illumina
Classification: Benign for Bartter disease type 2. Last evaluated: 2017-04-27. Review status: criteria provided, single submitter. Criteria: ICSL Variant Classification Criteria 13 December 2019. Collection method: clinical testing. Allele origin: germline.
Comment: This variant was observed as part of a predisposition screen in an ostensibly healthy population. A literature search was performed for the gene, cDNA change, and amino acid change (where applicable). Publications were found based on this search. The evidence from the literature, in combination with allele frequency data from public databases where available, was sufficient to rule this variant out of causing disease. Therefore, this variant is classified as benign.

Literature cited by the submitters: PubMed 20699659 (cited by Illumina Laboratory Services, Illumina).

NM_153766.3(KCNJ1):c.521C>T (p.Thr174Met)

Gene: KCNJ1 (potassium inwardly rectifying channel subfamily J member 1; minus strand). Cytogenetic location: 11q24.3.
Variant type: single nucleotide variant.
Coding change: c.521C>T on transcript NM_153766.3 (MANE Select); coding-DNA position 521, C replaced by T.
Protein change: p.Thr174Met; replaces threonine 174 with methionine.
Molecular consequence: missense variant.
Genome position (GRCh38, 1-based): chr11:128,839,723, G>A on the plus strand (C>T on the coding strand, the complement: KCNJ1 is on the minus strand). VCF-style: chr11-128839723-G-A. GRCh37 (hg19) VCF-style: chr11-128709618-G-A.
Other names: c.578C>T (NM_000220.5); c.578C>T, p.Thr193Met (NM_000220.6); c.521C>T, p.Thr174Met (NM_153764.3, NM_153767.4); c.572C>T, p.Thr191Met (NM_153765.3); short protein forms T193M, T191M, T174M.
Identifiers: ClinVar variation 879618 (VCV000879618.15), dbSNP rs117535913, ClinGen allele CA6357503.